The following is an entry in ClinVar:

ClinVar aggregate classification (germline): Uncertain significance (1 of 4 stars; one submission).

Conditions:
Developmental and epileptic encephalopathy, 23 (DEE23). Also called: Epileptic encephalopathy, early infantile, 23. Identifiers: Orphanet 411986, MedGen C4014492, MONDO:0014371, OMIM 615859.

Allele frequency attached by ClinVar (database versions not stated): ExAC 0.00002; gnomAD 0.00003; gnomAD exomes 0.00003 and 0.00008; TOPMed 0.00003.
gnomAD v4.1: 122 of 1,613,352 alleles (0.0076%); highest among the groups gnomAD compares: Non-Finnish European, 0.0099%; no homozygotes.

Submission:

Labcorp Genetics (formerly Invitae), Labcorp
Classification: Uncertain significance for Developmental and epileptic encephalopathy, 23. Last evaluated: 2022-03-15. Review status: criteria provided, single submitter. Criteria: Invitae Variant Classification Sherloc (09022015). Collection method: clinical testing. Allele origin: germline.
Comment: This sequence change replaces alanine, which is neutral and non-polar, with valine, which is neutral and non-polar, at codon 102 of the DOCK7 protein (p.Ala102Val). This variant is present in population databases (rs762479456, gnomAD 0.007%). This variant has not been reported in the literature in individuals affected with DOCK7-related conditions. ClinVar contains an entry for this variant (Variation ID: 574123). Algorithms developed to predict the effect of missense changes on protein structure and function (SIFT, PolyPhen-2, Align-GVGD) all suggest that this variant is likely to be tolerated. In summary, the available evidence is currently insufficient to determine the role of this variant in disease. Therefore, it has been classified as a Variant of Uncertain Significance.

NM_001367561.1(DOCK7):c.305C>T (p.Ala102Val)

Gene: DOCK7 (dedicator of cytokinesis 7; minus strand). Cytogenetic location: 1p31.3.
Variant type: single nucleotide variant.
Coding change: c.305C>T on transcript NM_001367561.1 (MANE Select); coding-DNA position 305, C replaced by T.
Protein change: p.Ala102Val; replaces alanine 102 with valine.
Molecular consequence: missense variant.
Genome position (GRCh38, 1-based): chr1:62,653,999, G>A on the plus strand (C>T on the coding strand, the complement: DOCK7 is on the minus strand). VCF-style: chr1-62653999-G-A. GRCh37 (hg19) VCF-style: chr1-63119670-G-A.
Other names: c.305C>T, p.Ala102Val (NM_001271999.2, NM_001272000.2, NM_001272001.2 and 3 more transcripts); short protein forms A102V.
Identifiers: ClinVar variation 574123 (VCV000574123.6), dbSNP rs762479456, ClinGen allele CA887229.